The following is an entry in ClinVar:

ClinVar aggregate classification (germline): Conflicting classifications of pathogenicity. Review status: criteria provided, conflicting classifications (1 of 4 stars). 3 submissions from 3 submitters: Uncertain significance (2); Likely benign (1). Last evaluated 2025-10-29.

Conditions:
Amyloidosis, hereditary systemic 6. Identifiers: MedGen C5935573, MONDO:0971010, OMIM 620659.
Hypoproteinemia, hypercatabolic (IMD43). Also called: MHC CLASS I DEFICIENCY 4; IMMUNODEFICIENCY 43; BETA-2-MICROGLOBULIN DEFICIENCY; B2M DEFICIENCY. Identifiers: MedGen C1855796, MONDO:0009434, OMIM 241600.
Inborn genetic diseases. Identifiers: MedGen C0950123, MeSH D030342.

Allele frequency attached by ClinVar (database versions not stated): gnomAD exomes 0.00001; gnomAD 0.00002; TOPMed 0.00005.
gnomAD v4.1: 21 of 1,614,078 alleles (0.0013%); highest among the groups gnomAD compares: Admixed American, 0.0067%; no homozygotes.

Submissions (3):

Labcorp Genetics (formerly Invitae), Labcorp
Classification: Uncertain significance for Hypoproteinemia, hypercatabolic. Last evaluated: 2025-10-29. Review status: criteria provided, single submitter. Criteria: Invitae Variant Classification Sherloc (09022015). Collection method: clinical testing. Allele origin: germline.
Comment: This sequence change replaces threonine, which is neutral and polar, with asparagine, which is neutral and polar, at codon 93 of the B2M protein (p.Thr93Asn). This variant is present in population databases (rs778103494, gnomAD 0.004%). This variant has not been reported in the literature in individuals affected with B2M-related conditions. ClinVar contains an entry for this variant (Variation ID: 1408274). An algorithm developed to predict the effect of missense changes on protein structure and function outputs the following: PolyPhen-2: "Benign". The asparagine amino acid residue is found in multiple mammalian species, which suggests that this missense change does not adversely affect protein function. In summary, the available evidence is currently insufficient to determine the role of this variant in disease. Therefore, it has been classified as a Variant of Uncertain Significance.

Fulgent Genetics
Classification: Uncertain significance for Hypoproteinemia, hypercatabolic; Amyloidosis, hereditary systemic 6. Last evaluated: 2024-03-22. Review status: criteria provided, single submitter. Criteria: ACMG Guidelines, 2015. Collection method: clinical testing. Allele origin: germline.

Ambry Genetics
Classification: Likely benign for Inborn genetic diseases. Last evaluated: 2024-01-03. Review status: criteria provided, single submitter. Criteria: Ambry Variant Classification Scheme 2023. Collection method: clinical testing. Allele origin: germline.

NM_004048.4(B2M):c.278C>A (p.Thr93Asn)

Gene: B2M (beta-2-microglobulin; plus strand). Cytogenetic location: 15q21.1.
Variant type: single nucleotide variant.
Coding change: c.278C>A on transcript NM_004048.4 (MANE Select); coding-DNA position 278, C replaced by A.
Protein change: p.Thr93Asn; replaces threonine 93 with asparagine.
Molecular consequence: missense variant.
Genome position (GRCh38, 1-based): chr15:44,715,633, C>A. VCF-style: chr15-44715633-C-A. GRCh37 (hg19) VCF-style: chr15-45007831-C-A.
Other names: c.278C>A (NM_004048.2); short protein forms T93N.
Identifiers: ClinVar variation 1408274 (VCV001408274.10), dbSNP rs778103494, ClinGen allele CA270117066.
Genomic context (GRCh38, chr15:44,715,633, plus strand): 5'-ACTTGTCTTTCAGCAAGGACTGGTCTTTCTATCTCTTGTACTACACTGAATTCACCCCCA[C>A]TGAAAAAGATGAGTATGCCTGCCGTGTGAACCATGTGACTTTGTCACAGCCCAAGATAGT-3'
Protein context (NP_004039.1, residues 83-103): YLLYYTEFTP[Thr93Asn]EKDEYACRVN